The following is an entry in ClinVar:

NM_005989.4(AKR1D1):c.*1484T>C

Gene: AKR1D1 (aldo-keto reductase family 1 member D1; plus strand). Cytogenetic location: 7q33.
Variant type: single nucleotide variant.
Coding change: c.*1484T>C on transcript NM_005989.4 (MANE Select); 1484 bases downstream of the stop codon, T replaced by C.
Molecular consequence: 3 prime UTR variant.
Genome position (GRCh38, 1-based): chr7:138,118,146, T>C. VCF-style: chr7-138118146-T-C. GRCh37 (hg19) VCF-style: chr7-137802892-T-C.
Other names: c.*1484T>C (NM_001190906.2); c.*1509T>C (NM_001190907.2).
Identifiers: ClinVar variation 358998 (VCV000358998.5), dbSNP rs17169523, ClinGen allele CA10625314.
Genomic context (GRCh38, chr7:138,118,146, plus strand): 5'-AGGATGAGAGAGTTCTTCAAAAATTATGTTTTCCCAAGATCAGTTGCTTATAGATAATGT[T>C]CAATGACCTCAAGACATATATTTTTGAGAAATTATCATTTTAAAAAATTTGGTCTATACT-3'

ClinVar aggregate classification (germline): Benign (1 of 4 stars; one submission).

Conditions:
Congenital bile acid synthesis defect 2 (CBAS2). Also called: CHOLESTASIS WITH DELTA(4)-3-OXOSTEROID 5-BETA-REDUCTASE DEFICIENCY. Identifiers: Orphanet 79303, MedGen C1856127, MONDO:0009339, OMIM 235555.

Allele frequency attached by ClinVar (database versions not stated): gnomAD 0.04732 and 0.05069; 1000 Genomes Project 0.05032; 1000 Genomes Project 30x 0.05184; TOPMed 0.05358.
gnomAD v4.1: 7,148 of 152,322 alleles (4.7%); highest among the groups gnomAD compares: African/African-American, 16%; 532 homozygotes.

Submission:

Illumina Laboratory Services, Illumina
Classification: Benign for Congenital bile acid synthesis defect 2. Last evaluated: 2018-01-12. Review status: criteria provided, single submitter. Criteria: ICSL Variant Classification Criteria 13 December 2019. Collection method: clinical testing. Allele origin: germline.
Comment: This variant was observed in the ICSL laboratory as part of a predisposition screen in an ostensibly healthy population. It had not been previously curated by ICSL or reported in the Human Gene Mutation Database (HGMD: prior to June 1st, 2018), and was therefore a candidate for classification through an automated scoring system. Utilizing variant allele frequency, disease prevalence and penetrance estimates, and inheritance mode, an automated score was calculated to assess if this variant is too frequent to cause the disease. Based on the score and internal cut-off values, a variant classified as benign is not then subjected to further curation. The score for this variant resulted in a classification of benign for this disease.